The following is an entry in ClinVar:

ClinVar aggregate classification (germline): Uncertain significance (1 of 4 stars; one submission).

Conditions:
ADCY3-related disorder. Also called: ADCY3-related condition.

Submission:

PreventionGenetics, part of Exact Sciences
Classification: Uncertain significance for ADCY3-related condition. Last evaluated: 2026-07-14. Review status: criteria provided, single submitter. Criteria: ACMG Guidelines, 2015. Collection method: clinical testing. Allele origin: germline.
Comment: The ADCY3 c.3230C>T variant is predicted to result in the amino acid substitution p.Ser1077Phe. To our knowledge, this variant has not been reported in the literature or in a large population database (gnomAD), indicating this variant is rare. At this time, the clinical significance of this variant is uncertain due to the absence of conclusive functional and genetic evidence.

NM_004036.5(ADCY3):c.3227C>T (p.Ser1076Phe)

Genes: ADCY3 (adenylate cyclase 3; minus strand), CENPO (centromere protein O; plus strand). Cytogenetic location: 2p23.3.
Variant type: single nucleotide variant.
Coding change: c.3227C>T on transcript NM_004036.5 (MANE Select); coding-DNA position 3227, C replaced by T.
Protein change: p.Ser1076Phe; replaces serine 1076 with phenylalanine.
Molecular consequence: missense variant. On other transcripts: 3 prime UTR variant (3), non-coding transcript variant (3).
Genome position (GRCh38, 1-based): chr2:24,820,749, G>A on the plus strand (C>T on the coding strand, the complement: ADCY3 is on the minus strand). VCF-style: chr2-24820749-G-A. GRCh37 (hg19) VCF-style: chr2-25043618-G-A.
Other names: c.3230C>T, p.Ser1077Phe (NM_001320613.2); c.3293C>T, p.Ser1098Phe (NM_001377128.1); c.3089C>T, p.Ser1030Phe (NM_001377129.1); c.2675C>T, p.Ser892Phe (NM_001377130.1); c.2504C>T, p.Ser835Phe (NM_001377131.1); c.3227C>T, p.Ser1076Phe (NM_001377132.1); c.*1431G>A (NM_001199803.3, NM_001322101.2, NM_024322.4); short protein forms S1030F, S835F, S892F, S1076F, S1098F, S1077F.
Identifiers: ClinVar variation 4995784 (VCV004995784.1).
Genomic context (GRCh38, chr2:24,820,749, plus strand): 5'-GTCTGAGCACGTGCCAGCTGTGCCACTGGACATACCTGAATGTTGCCCATGACCCCCGTG[G>A]ACTCCATCCTGCTGGCTACATTGACTGTATTGCCCCAGATGTCGTAGTGTGGTTTCCGGG-3'
Protein context (NP_004027.2, residues 1066-1086): NTVNVASRME[Ser1076Phe]TGVMGNIQVV